The following is an entry in ClinVar:

NM_133433.4(NIPBL):c.4714A>T (p.Thr1572Ser)

Gene: NIPBL (NIPBL cohesin loading factor; plus strand). Cytogenetic location: 5p13.2.
Variant type: single nucleotide variant.
Coding change: c.4714A>T on transcript NM_133433.4 (MANE Select); coding-DNA position 4714, A replaced by T.
Protein change: p.Thr1572Ser; replaces threonine 1572 with serine.
Molecular consequence: missense variant.
Genome position (GRCh38, 1-based): chr5:37,016,108, A>T. VCF-style: chr5-37016108-A-T. GRCh37 (hg19) VCF-style: chr5-37016210-A-T.
Other names: c.4714A>T, p.Thr1572Ser (NM_015384.5); short protein forms T1572S.
Identifiers: ClinVar variation 3391360 (VCV003391360.1).

ClinVar aggregate classification (germline): Uncertain significance (1 of 4 stars; one submission).

Conditions:
Cornelia de Lange syndrome 1 (CDLS1). Also called: NIPBL-Related Cornelia de Lange Syndrome; TYPUS DEGENERATIVUS AMSTELODAMENSIS; Brachmann de Lange syndrome. Identifiers: Orphanet 199, MedGen C4551851, MONDO:0007387, OMIM 122470.

Submission:

Neuberg Centre For Genomic Medicine, NCGM
Classification: Uncertain significance for Cornelia de Lange syndrome 1. Last evaluated: 2023-07-22. Review status: criteria provided, single submitter. Criteria: ACMG Guidelines, 2015. Collection method: clinical testing. Allele origin: germline. Inheritance: Autosomal dominant inheritance. Affected: yes.
Comment: The missense variant c.4714A>T p.Thr1572Ser in the NIPBL gene has not been reported previously as a pathogenic variant nor as a benign variant, to our knowledge. This variant is absent in the gnomAD Exomes. The amino acid Thr at position 1572 is changed to a Ser changing protein sequence and it might alter its composition and physico-chemical properties. Multiple lines of computational evidence Polyphen - Damaging, SIFT - Damaging and MutationTaster - Disease causing predict a damaging effect on protein structure and function for this variant. The amino acid change p.Thr1572Ser in NIPBL is predicted as conserved by GERP++ and PhyloP across 100 vertebrates. For these reasons, this variant has been classified as Uncertain Significance.